The following is an entry in ClinVar:

NM_001142800.2(EYS):c.2244C>A (p.Cys748Ter)

Gene: EYS (EGF-like photoreceptor maintenance factor; minus strand). Cytogenetic location: 6q12.
Variant type: single nucleotide variant.
Coding change: c.2244C>A on transcript NM_001142800.2 (MANE Select); coding-DNA position 2244, C replaced by A.
Protein change: p.Cys748Ter; replaces cysteine 748 with a stop codon.
Molecular consequence: nonsense.
Genome position (GRCh38, 1-based): chr6:64,997,597, G>T on the plus strand (C>A on the coding strand, the complement: EYS is on the minus strand). VCF-style: chr6-64997597-G-T. GRCh37 (hg19) VCF-style: chr6-65707490-G-T.
Other names: c.2244C>A, p.Cys748Ter (NM_001292009.2); short protein forms C748*.
Identifiers: ClinVar variation 3638487 (VCV003638487.2).

ClinVar aggregate classification (germline): Pathogenic (1 of 4 stars; one submission).

Submission:

Labcorp Genetics (formerly Invitae), Labcorp
Classification: Pathogenic. Last evaluated: 2024-02-02. Review status: criteria provided, single submitter. Criteria: Invitae Variant Classification Sherloc (09022015). Collection method: clinical testing. Allele origin: germline.
Comment: This sequence change creates a premature translational stop signal (p.Cys748*) in the EYS gene. It is expected to result in an absent or disrupted protein product. Loss-of-function variants in EYS are known to be pathogenic (PMID: 18836446, 20333770). This variant is not present in population databases (gnomAD no frequency). This variant has not been reported in the literature in individuals affected with EYS-related conditions. For these reasons, this variant has been classified as Pathogenic.

Literature cited by the submitters: PubMed 18836446; PubMed 20333770.